The following is an entry in ClinVar:

NM_007294.4(BRCA1):c.231G>T (p.Thr77=)

Gene: BRCA1 (BRCA1 DNA repair associated; minus strand). Cytogenetic location: 17q21.31.
Variant type: single nucleotide variant.
Coding change: c.231G>T on transcript NM_007294.4 (MANE Select); coding-DNA position 231, G replaced by T.
Protein change: p.Thr77=; no amino-acid change (threonine 77 retained).
Molecular consequence: synonymous variant. On other transcripts: 5 prime UTR variant (7), intron variant (2).
Genome position (GRCh38, 1-based): chr17:43,104,938, C>A on the plus strand (G>T on the coding strand, the complement: BRCA1 is on the minus strand). VCF-style: chr17-43104938-C-A. GRCh37 (hg19) VCF-style: chr17-41256955-C-A.
Other names: 350G/T; c.231G>T, p.Thr77= (NM_001407670.1, NM_001407671.1, NM_001407672.1 and 168 more transcripts); c.90G>T, p.Thr30= (NM_001407692.1, NM_001407694.1, NM_001407695.1 and 99 more transcripts); c.21G>T, p.Thr7= (NM_001407853.1, NM_001407879.1, NM_001407881.1 and 58 more transcripts); c.153G>T, p.Thr51= (NM_001407862.1, NM_001407874.1, NM_001407875.1 and 21 more transcripts); c.-151G>T (NM_001407959.1, NM_001407960.1, NM_001407962.1 and 4 more transcripts); c.99G>T, p.Thr33= (NM_001408451.1); c.-218-10078G>T (NM_001407967.1, NM_001407966.1).
Identifiers: ClinVar variation 54533 (VCV000054533.10), dbSNP rs80356847, ClinGen allele CA001548.
Genomic context (GRCh38, chr17:43,104,938, plus strand): 5'-TGTGTCAAGCTGAAAAGCACAAATGATTTTCAATAGCTCTTCAACAAGTTGACTAAATCT[C>A]GTACTTTCTTGTAGGCTCCTGAAATTAAATTGTTTGAGAAACACACTCAGCAAGTGATTA-3'
Protein context (NP_009225.1, residues 67-87): DITKRSLQES[Thr77=]RFSQLVEELL

ClinVar aggregate classification (germline): Likely benign. Review status: reviewed by expert panel (3 of 4 stars). 3 submissions from 3 submitters: Likely benign (1). 2 of the submissions do not count toward it. Last evaluated 2017-06-29.

Conditions:
Hereditary cancer-predisposing syndrome. Also called: Tumor predisposition; Neoplastic Syndromes, Hereditary; Hereditary Cancer Syndrome; Hereditary neoplastic syndrome. Identifiers: Orphanet 140162, MedGen C0027672, MeSH D009386, MONDO:0015356.
Breast-ovarian cancer, familial, susceptibility to, 1 (BROVCA1). Also called: OVARIAN CANCER, SUSCEPTIBILITY TO; BRCA1 Hereditary Breast and Ovarian Cancer. Identifiers: Orphanet 145, MedGen C2676676, MONDO:0011450, OMIM 604370. Disease mechanism: loss of function.

Submissions (4):

Evidence-based Network for the Interpretation of Germline Mutant Alleles (ENIGMA)
Classification: Likely benign for Breast-ovarian cancer, familial, susceptibility to, 1. Last evaluated: 2017-06-29. Review status: reviewed by expert panel. Criteria: ENIGMA BRCA1/2 Classification Criteria (2017-06-29). Collection method: curation. Allele origin: germline.
Comment: Synonymous substitution variant, with low bioinformatic likelihood to result in a splicing aberration (Splicing prior probability 0.02).

Ambry Genetics
Classification: Likely pathogenic for Hereditary cancer-predisposing syndrome. Last evaluated: 2021-11-04. Review status: criteria provided, single submitter. Criteria: Ambry Variant Classification Scheme 2023. Collection method: clinical testing. Allele origin: germline. Not counted in ClinVar's aggregate classification.
Comment: The c.231G>T variant (also known as p.T77T), located in coding exon 4 of the BRCA1 gene, results from a G to T substitution at nucleotide position 231. This nucleotide substitution does not change the threonine at codon 77. One functional study found that this nucleotide substitution is non-functional in a high-throughput, genome editing, haploid cell survival assay (Findlay GM et al. Nature, 2018 10;562:217-222). This alteration, designated 350G>T, has been identified in a cohort of 50 Spanish breast cancer cases (Salgado J et al. Oncol Rep, 2005 Jul;14:85-8). This variant is considered to be rare based on population cohorts in the Genome Aggregation Database (gnomAD). This nucleotide position is poorly conserved in available vertebrate species. In silico splice site analysis predicts that this alteration will weaken the native splice acceptor site, and this alteration was found to affect splicing and cause increased exon-skipping in a study using minigene assays (Raponi M et al. Hum Mutat, 2011 Apr;32:436-44). Based on the majority of available evidence to date, this variant is likely to be pathogenic.

Breast Cancer Information Core (BIC) (BRCA1)
Classification: Uncertain significance for Breast-ovarian cancer, familial 1. Last evaluated: 2000-06-12. Review status: no assertion criteria provided. Collection method: clinical testing. Allele origin: germline. Affected: yes. Observed: 1 variant allele. Not counted in ClinVar's aggregate classification.

Brotman Baty Institute, University of Washington
No classification provided (evidence only). Condition: Breast-ovarian cancer, familial 1. Review status: no classification provided. Collection method: in vitro. Allele origin: not applicable. Functional consequence: functionally_abnormal. Not counted in ClinVar's aggregate classification.
ClinVar note: "not provided" was previously submitted as the classification for the variant. However, the classification appeared to be based only on an observation of functional data so it was converted to no classification on 2025-07-30.

Literature cited by the submitters: PubMed 15944772 (cited by Ambry Genetics); PubMed 21309043 (cited by Ambry Genetics); PubMed 30209399 (cited by Ambry Genetics).